The following is an entry in ClinVar:

ClinVar aggregate classification (germline): Conflicting classifications of pathogenicity. Review status: criteria provided, conflicting classifications (1 of 4 stars). 2 submissions from 2 submitters: Likely pathogenic (1); Uncertain significance (1). Last evaluated 2024-06-11.

Conditions:
Early-infantile DEE. Also called: Ohtahara syndrome; Early infantile epileptic encephalopathy; Early infantile epileptic encephalopathy with suppression bursts. Identifiers: Orphanet 1934, MedGen C0393706, MONDO:0800491.

Submissions (2):

GeneDx
Classification: Likely pathogenic. Last evaluated: 2024-06-11. Review status: criteria provided, single submitter. Criteria: GeneDx Variant Classification Process June 2021. Collection method: clinical testing. Allele origin: germline. Affected: yes.
Comment: Reported as a de novo variant in a patient with autism in published literature; however, detailed clinical information was not provided (PMID: 35982159); In silico analysis supports that this missense variant has a deleterious effect on protein structure/function; Not observed at significant frequency in large population cohorts (gnomAD); This variant is associated with the following publications: (PMID: 26029160, 31887642, 35982159)

Labcorp Genetics (formerly Invitae), Labcorp
Classification: Uncertain significance for Early-infantile DEE. Last evaluated: 2023-10-29. Review status: criteria provided, single submitter. Criteria: Invitae Variant Classification Sherloc (09022015). Collection method: clinical testing. Allele origin: germline.
Comment: This sequence change replaces glycine, which is neutral and non-polar, with valine, which is neutral and non-polar, at codon 1461 of the SCN8A protein (p.Gly1461Val). This variant is not present in population databases (gnomAD no frequency). This missense change has been observed in individual(s) with SCN8A-related conditions (PMID: 31887642). Advanced modeling of protein sequence and biophysical properties (such as structural, functional, and spatial information, amino acid conservation, physicochemical variation, residue mobility, and thermodynamic stability) performed at Invitae indicates that this missense variant is expected to disrupt SCN8A protein function with a positive predictive value of 95%. In summary, the available evidence is currently insufficient to determine the role of this variant in disease. Therefore, it has been classified as a Variant of Uncertain Significance.

Literature cited by the submitters: PubMed 31887642 (cited by Labcorp Genetics (formerly Invitae), Labcorp).

NM_001330260.2(SCN8A):c.4382G>T (p.Gly1461Val)

Gene: SCN8A (sodium voltage-gated channel alpha subunit 8; plus strand). Cytogenetic location: 12q13.13.
Variant type: single nucleotide variant.
Coding change: c.4382G>T on transcript NM_001330260.2 (MANE Select); coding-DNA position 4382, G replaced by T.
Protein change: p.Gly1461Val; replaces glycine 1461 with valine.
Molecular consequence: missense variant.
Genome position (GRCh38, 1-based): chr12:51,789,381, G>T. VCF-style: chr12-51789381-G-T. GRCh37 (hg19) VCF-style: chr12-52183165-G-T.
Other names: c.4382G>T (NM_014191.3); c.4259G>T, p.Gly1420Val (NM_001177984.3, NM_001369788.1); c.4382G>T, p.Gly1461Val (NM_014191.4); short protein forms G1420V, G1461V.
Identifiers: ClinVar variation 2758970 (VCV002758970.4), dbSNP rs2540306994, ClinGen allele CA384908536.